The following is an entry in ClinVar:

ClinVar aggregate classification (germline): Uncertain significance (1 of 4 stars; one submission).

gnomAD v4.1: 2 of 1,614,096 alleles (0.00012%); highest among the groups gnomAD compares: Admixed American, 0.0033%; no homozygotes.

Submission:

Labcorp Genetics (formerly Invitae), Labcorp
Classification: Uncertain significance. Last evaluated: 2024-09-21. Review status: criteria provided, single submitter. Criteria: Invitae Variant Classification Sherloc (09022015). Collection method: clinical testing. Allele origin: germline.
Comment: This sequence change replaces alanine, which is neutral and non-polar, with valine, which is neutral and non-polar, at codon 436 of the MICAL1 protein (p.Ala436Val). This variant is present in population databases (no rsID available, gnomAD 0.003%). This variant has not been reported in the literature in individuals affected with MICAL1-related conditions. An algorithm developed to predict the effect of missense changes on protein structure and function (PolyPhen-2) suggests that this variant is likely to be disruptive. In summary, the available evidence is currently insufficient to determine the role of this variant in disease. Therefore, it has been classified as a Variant of Uncertain Significance.

NM_022765.4(MICAL1):c.1250C>T (p.Ala417Val)

Gene: MICAL1 (microtubule associated monooxygenase, calponin and LIM domain containing 1; minus strand). Cytogenetic location: 6q21.
Variant type: single nucleotide variant.
Coding change: c.1250C>T on transcript NM_022765.4 (MANE Select); coding-DNA position 1250, C replaced by T.
Protein change: p.Ala417Val; replaces alanine 417 with valine.
Molecular consequence: missense variant.
Genome position (GRCh38, 1-based): chr6:109,450,027, G>A on the plus strand (C>T on the coding strand, the complement: MICAL1 is on the minus strand). VCF-style: chr6-109450027-G-A. GRCh37 (hg19) VCF-style: chr6-109771230-G-A.
Other names: c.992C>T, p.Ala331Val (NM_001159291.2); c.1307C>T, p.Ala436Val (NM_001286613.2); short protein forms A417V, A331V, A436V.
Identifiers: ClinVar variation 3678412 (VCV003678412.2).